The following is an entry in ClinVar:

ClinVar aggregate classification (germline): Uncertain significance (1 of 4 stars; one submission).

Conditions:
Autosomal recessive limb-girdle muscular dystrophy type 2A (LGMDR1). Also called: Muscular dystrophy, limb-girdle, type 2A, Amish; LEYDEN-MOEBIUS MUSCULAR DYSTROPHY; MUSCULAR DYSTROPHY, PELVOFEMORAL; Limb-girdle muscular dystrophy, type 2A; Calpainopathy. Identifiers: Orphanet 267, MedGen C1869123, MONDO:0009675, OMIM 253600. Disease mechanism: loss of function.

Allele frequency attached by ClinVar (database versions not stated): gnomAD exomes below 0.00001.
gnomAD v4.1: 1 of 1,614,208 alleles (0.000062%); highest among the groups gnomAD compares: Non-Finnish European, 0.000085%; no homozygotes.

Submission:

Labcorp Genetics (formerly Invitae), Labcorp
Classification: Uncertain significance for Autosomal recessive limb-girdle muscular dystrophy type 2A. Last evaluated: 2022-04-19. Review status: criteria provided, single submitter. Criteria: Invitae Variant Classification Sherloc (09022015). Collection method: clinical testing. Allele origin: germline.
Comment: This variant is not present in population databases (gnomAD no frequency). In summary, the available evidence is currently insufficient to determine the role of this variant in disease. Therefore, it has been classified as a Variant of Uncertain Significance. Algorithms developed to predict the effect of sequence changes on RNA splicing suggest that this variant may create or strengthen a splice site. Algorithms developed to predict the effect of missense changes on protein structure and function (SIFT, PolyPhen-2, Align-GVGD) all suggest that this variant is likely to be tolerated. This missense change has been observed in individual(s) with limb-girdle muscular dystrophy (PMID: 33337384). This sequence change replaces aspartic acid, which is acidic and polar, with asparagine, which is neutral and polar, at codon 772 of the CAPN3 protein (p.Asp772Asn).

Literature cited by the submitters: PubMed 33337384.

NM_000070.3(CAPN3):c.2314G>A (p.Asp772Asn)

Gene: CAPN3 (calpain 3; plus strand). Cytogenetic location: 15q15.1.
Variant type: single nucleotide variant.
Coding change: c.2314G>A on transcript NM_000070.3 (MANE Select); coding-DNA position 2314, G replaced by A.
Protein change: p.Asp772Asn; replaces aspartic acid 772 with asparagine.
Molecular consequence: missense variant.
Genome position (GRCh38, 1-based): chr15:42,410,934, G>A. VCF-style: chr15-42410934-G-A. GRCh37 (hg19) VCF-style: chr15-42703132-G-A.
Other names: c.2296G>A, p.Asp766Asn (NM_024344.2); c.2038G>A, p.Asp680Asn (NM_173087.2); c.778G>A, p.Asp260Asn (NM_173088.2); c.319G>A, p.Asp107Asn (NM_173089.2, NM_173090.2); c.*1412G>A (NM_212464.2); c.*1989G>A (NM_212467.2); short protein forms D107N, D260N, D680N, D766N, D772N.
Identifiers: ClinVar variation 2098866 (VCV002098866.4), dbSNP rs2054204104, ClinGen allele CA392002054.
Genomic context (GRCh38, chr15:42,410,934, plus strand): 5'-CCCTCCACAGGATTCCACCTCAACAACCAGCTCTATGACATCATTACCATGCGGTACGCA[G>A]ACAAACACATGAACATCGACTTTGACAGTTTCATCTGCTGCTTCGTTAGGCTGGAGGGCA-3'
Protein context (NP_000061.1, residues 762-782): LYDIITMRYA[Asp772Asn]KHMNIDFDSF